The following is an entry in ClinVar:

NM_001387690.1(KATNAL2):c.51+16256C>T

Gene: KATNAL2 (katanin catalytic subunit A1 like 2; plus strand). Cytogenetic location: 18q21.1.
Variant type: single nucleotide variant.
Coding change: c.51+16256C>T on transcript NM_001387690.1 (MANE Select); 16256 bases into the intron after coding-DNA position 51, C replaced by T.
Molecular consequence: intron variant.
Genome position (GRCh38, 1-based): chr18:46,963,179, C>T. VCF-style: chr18-46963179-C-T. GRCh37 (hg19) VCF-style: chr18-44543142-C-T.
Other names: c.-2+16256C>T (NM_001353904.1, NM_001353903.1, NM_001353907.1 and 3 more transcripts); c.129+16256C>T (NM_001353899.1, NM_001353900.1, NM_001353902.1); c.51+16256C>T (NM_001353901.1, NM_001367621.1); c.-295+16256C>T (NM_001353905.1); c.-95+16256C>T (NM_031303.3).
Identifiers: ClinVar variation 2648705 (VCV002648705.23), dbSNP rs2060026472, ClinGen allele CA503996222.

ClinVar aggregate classification (germline): Likely benign (1 of 4 stars; one submission).

Submission:

CeGaT Center for Human Genetics Tuebingen
Classification: Likely benign. Last evaluated: 2023-06-01. Review status: criteria provided, single submitter. Criteria: CeGaT Center For Human Genetics Tuebingen Variant Classification Criteria Version 2. Collection method: clinical testing. Allele origin: germline. Affected: yes. Observed: 1 variant allele.
Comment: ELOA3DP: BP4, BP7